The following is an entry in ClinVar:

NM_032444.4(SLX4):c.2506T>C (p.Ser836Pro)

Gene: SLX4 (SLX4 structure-specific endonuclease subunit; minus strand). Cytogenetic location: 16p13.3.
Variant type: single nucleotide variant.
Coding change: c.2506T>C on transcript NM_032444.4 (MANE Select); coding-DNA position 2506, T replaced by C.
Protein change: p.Ser836Pro; replaces serine 836 with proline.
Molecular consequence: missense variant.
Genome position (GRCh38, 1-based): chr16:3,591,132, A>G on the plus strand (T>C on the coding strand, the complement: SLX4 is on the minus strand). VCF-style: chr16-3591132-A-G. GRCh37 (hg19) VCF-style: chr16-3641133-A-G.
Other names: short protein forms S836P.
Identifiers: ClinVar variation 4885947 (VCV004885947.2).

ClinVar aggregate classification (germline): Uncertain significance (1 of 4 stars; one submission).

Submission:

Dasa
Classification: Uncertain significance. Last evaluated: 2025-03-18. Review status: criteria provided, single submitter. Criteria: DASA Assertion Criteria. Collection method: clinical testing. Allele origin: germline.
Comment: NM_032444.4(SLX4):c.2506T>C (p.Ser836Pro) is a missense variant that results in the substitution of serine with proline. This variant is absent from population databases. Computational prediction algorithms are consistent with a benign effect. The currently available literature and clinical evidence are not sufficient to establish a definitive association between this variant and the reported condition. Therefore, this variant is classified as a variant of uncertain significance.